The following is an entry in ClinVar:

NM_001205293.3(CACNA1E):c.6431C>G (p.Pro2144Arg)

Gene: CACNA1E (calcium voltage-gated channel subunit alpha1 E; plus strand). Cytogenetic location: 1q25.3.
Variant type: single nucleotide variant.
Coding change: c.6431C>G on transcript NM_001205293.3 (MANE Select); coding-DNA position 6431, C replaced by G.
Protein change: p.Pro2144Arg; replaces proline 2144 with arginine.
Molecular consequence: missense variant.
Genome position (GRCh38, 1-based): chr1:181,798,323, C>G. VCF-style: chr1-181798323-C-G. GRCh37 (hg19) VCF-style: chr1-181767459-C-G.
Other names: c.6302C>G, p.Pro2101Arg (NM_000721.4); c.6245C>G, p.Pro2082Arg (NM_001205294.2); short protein forms P2144R, P2082R, P2101R.
Identifiers: ClinVar variation 2825249 (VCV002825249.3), dbSNP rs1350235743, ClinGen allele CA343844789.

ClinVar aggregate classification (germline): Uncertain significance (1 of 4 stars; one submission).

Submission:

Labcorp Genetics (formerly Invitae), Labcorp
Classification: Uncertain significance. Last evaluated: 2022-12-31. Review status: criteria provided, single submitter. Criteria: Invitae Variant Classification Sherloc (09022015). Collection method: clinical testing. Allele origin: germline.
Comment: In summary, the available evidence is currently insufficient to determine the role of this variant in disease. Therefore, it has been classified as a Variant of Uncertain Significance. Advanced modeling of protein sequence and biophysical properties (such as structural, functional, and spatial information, amino acid conservation, physicochemical variation, residue mobility, and thermodynamic stability) performed at Invitae indicates that this missense variant is not expected to disrupt CACNA1E protein function. This variant has not been reported in the literature in individuals affected with CACNA1E-related conditions. This variant is not present in population databases (gnomAD no frequency). This sequence change replaces proline, which is neutral and non-polar, with arginine, which is basic and polar, at codon 2101 of the CACNA1E protein (p.Pro2101Arg).